The following is an entry in ClinVar:

NM_001754.5(RUNX1):c.1242C>G (p.Tyr414Ter)

Gene: RUNX1 (RUNX family transcription factor 1; minus strand). Cytogenetic location: 21q22.12.
Variant type: single nucleotide variant.
Coding change: c.1242C>G on transcript NM_001754.5 (MANE Select); coding-DNA position 1242, C replaced by G.
Protein change: p.Tyr414Ter; replaces tyrosine 414 with a stop codon.
Molecular consequence: nonsense.
Genome position (GRCh38, 1-based): chr21:34,792,336, G>C on the plus strand (C>G on the coding strand, the complement: RUNX1 is on the minus strand). VCF-style: chr21-34792336-G-C. GRCh37 (hg19) VCF-style: chr21-36164633-G-C.
Other names: NM_001754.5(RUNX1):c.1242C>G; p.Tyr414Ter; c.1161C>G, p.Tyr387Ter (NM_001001890.3); short protein forms Y387*, Y414*.
Identifiers: ClinVar variation 1194557 (VCV001194557.9), dbSNP rs2056452818, ClinGen allele CA410147696.

ClinVar aggregate classification (germline): Pathogenic. Review status: reviewed by expert panel (3 of 4 stars). 5 submissions from 5 submitters: Pathogenic (1). 4 of the submissions do not count toward it. Last evaluated 2025-07-11.

Conditions:
RUNX1-related disorder. Also called: RUNX1-related condition.
Hereditary thrombocytopenia and hematological cancer predisposition syndrome associated with RUNX1. Also called: Familial Platelet Disorder with Propensity to Acute Myelogenous Leukemia; RUNX1 Familial Platelet Disorder with Associated Myeloid Malignancies; Familial thrombocytopenia with propensity to acute myelogenous leukemia; PLATELET DISORDER, ASPIRIN-LIKE. Identifiers: Orphanet 71290, MedGen C1832388, MeSH C563324, MONDO:0100083, OMIM 601399.
Inborn genetic diseases. Identifiers: MedGen C0950123, MeSH D030342.
Hereditary thrombocytopenia and hematologic cancer predisposition syndrome. Identifiers: Orphanet 71290, MedGen CN281654, MONDO:0011071.

Submissions (5):

ClinGen Myeloid Malignancy Variant Curation Expert Panel
Classification: Pathogenic for Hereditary thrombocytopenia and hematologic cancer predisposition syndrome. Last evaluated: 2025-07-11. Review status: reviewed by expert panel. Criteria: ClinGen MyeloMalig ACMG Specifications v2. Collection method: curation. Allele origin: germline. Inheritance: Autosomal dominant inheritance.
Comment: NM_001754.5(RUNX1):c.1242C>G (p.Tyr414Ter) is a nonsense variant which is not predicted to undergo nonsense-mediated decay, and the truncated/altered region is critical for protein function (nonsense c.917-c.1440 as per VCEP specifications) (PVS1_Strong, PM5_supporting). This variant is completely absent from all population databases with at least 20x coverage for RUNX1 (PM2_supporting). It has been reported in four probands meeting at least one of the RUNX1-phenotypic criteria (PMID: 33560381, 37680325, 37458302, 37738626) (PS4). It was also found to co-segregate with disease in multiple affected family members, with three meioses observed across two families (PP1; PMID: 37680325, 37458302). In summary, this variant meets criteria to be classified as pathogenic. ACMG/AMP criteria applied, as specified by the Myeloid Malignancy Variant Curation Expert Panel for RUNX1: PVS1_strong, PM5_supporting, PM2_supporting, PP1, PS4.

Labcorp Genetics (formerly Invitae), Labcorp
Classification: Likely pathogenic for Hereditary thrombocytopenia and hematological cancer predisposition syndrome associated with RUNX1. Last evaluated: 2025-09-10. Review status: criteria provided, single submitter. Criteria: Invitae Variant Classification Sherloc (09022015). Collection method: clinical testing. Allele origin: germline. Not counted in ClinVar's aggregate classification.
Comment: This sequence change creates a premature translational stop signal (p.Tyr414*) in the RUNX1 gene. While this is not anticipated to result in nonsense mediated decay, it is expected to disrupt the last 67 amino acid(s) of the RUNX1 protein. This variant is not present in population databases (gnomAD no frequency). This premature translational stop signal has been observed in individual(s) with clinical features of familial platelet disorder with associated myeloid malignancy (PMID: 30600763, 36583461, 37738626). ClinVar contains an entry for this variant (Variation ID: 1194557). This variant disrupts the inhibitory domain and the VWRPY domain of the RUNX1 protein, which are important for regulating RUNX1 protein stability and function (PMID: 22689681, 23753029, 15749889, 14504086). While functional studies have not been performed to directly test the effect of this variant on RUNX1 protein function, this suggests that disruption of this region of the protein is causative of disease. In summary, the currently available evidence indicates that the variant is pathogenic, but additional data are needed to prove that conclusively. Therefore, this variant has been classified as Likely Pathogenic.

Ambry Genetics
Classification: Likely pathogenic for Inborn genetic diseases. Last evaluated: 2025-07-29. Review status: criteria provided, single submitter. Criteria: Ambry Variant Classification Scheme 2023. Collection method: clinical testing. Allele origin: germline. Not counted in ClinVar's aggregate classification.
Comment: The p.Y414* variant (also known as c.1242C>G), located in coding exon 8 of the RUNX1 gene, results from a C to G substitution at nucleotide position 1242. This changes the amino acid from a tyrosine to a stop codon within coding exon 8. This alteration occurs at the 3' terminus of theRUNX1 gene, is not expected to trigger nonsense-mediated mRNA decay, and impacts the last 14% of the protein. However, premature stop codons are typically deleterious in nature and a significant portion of the protein is affected (Ambry internal data). This variant was identified in one or more individuals with features consistent with RUNX1 familial platelet disorder and/or associated myeloid malignancies and segregated with disease in at least one family (Chisholm KM et al. Pediatr Dev Pathol, 2019 Jan;22:315-328; Krutein MC et al. Blood Adv, 2021 Feb;5:687-699; Gartstein E et al. Pediatr Blood Cancer, 2023 May;70:e30184; Patel N et al. Am J Clin Pathol, 2023 Oct;160:352-364). This variant is considered to be rare based on population cohorts in the Genome Aggregation Database (gnomAD). Based on the majority of available evidence to date, this variant is likely to be pathogenic.

Blueprint Genetics
Classification: Pathogenic for RUNX1-related disorders. Last evaluated: 2021-12-29. Review status: criteria provided, single submitter. Criteria: ACMG Guidelines, 2015. Collection method: clinical testing. Allele origin: germline. Affected: yes. Observed: 4 variant alleles. Not counted in ClinVar's aggregate classification.

GeneDx
Classification: Likely pathogenic. Last evaluated: 2020-08-10. Review status: criteria provided, single submitter. Criteria: GeneDx Variant Classification Process June 2021. Collection method: clinical testing. Allele origin: germline. Affected: yes. Not counted in ClinVar's aggregate classification.
Comment: Nonsense variant in the C-terminus predicted to result in protein truncation as the last 67 amino acids are lost, and one loss-of-function variant has been reported downstream in the Human Gene Mutation Database (Sorrell 2012); Not observed in large population cohorts (Lek 2016); Observed in individuals with personal or family history consistent with pathogenic variants in this gene referred for genetic testing at GeneDx and segregates with disease in affected individuals from a single family in published literature (Chisholm 2019); This variant is associated with the following publications: (PMID: 30600763, 32208489)

Literature cited by the submitters: PubMed 30600763 (cited by Labcorp Genetics (formerly Invitae), Labcorp and Ambry Genetics); PubMed 36583461 (cited by Labcorp Genetics (formerly Invitae), Labcorp and Ambry Genetics); PubMed 37738626 (cited by Labcorp Genetics (formerly Invitae), Labcorp); PubMed 22689681 (cited by Labcorp Genetics (formerly Invitae), Labcorp); PubMed 23753029 (cited by Labcorp Genetics (formerly Invitae), Labcorp); PubMed 15749889 (cited by Labcorp Genetics (formerly Invitae), Labcorp); PubMed 14504086 (cited by Labcorp Genetics (formerly Invitae), Labcorp); PubMed 33560381 (cited by Ambry Genetics); PubMed 37458302 (cited by Ambry Genetics).